The following is an entry in ClinVar:

NM_000019.4(ACAT1):c.377G>C (p.Cys126Ser)

Gene: ACAT1 (acetyl-CoA acetyltransferase 1; plus strand). Cytogenetic location: 11q22.3.
Variant type: single nucleotide variant.
Coding change: c.377G>C on transcript NM_000019.4 (MANE Select); coding-DNA position 377, G replaced by C.
Protein change: p.Cys126Ser; replaces cysteine 126 with serine.
Molecular consequence: missense variant.
Genome position (GRCh38, 1-based): chr11:108,135,184, G>C. VCF-style: chr11-108135184-G-C. GRCh37 (hg19) VCF-style: chr11-108005911-G-C.
Other names: short protein forms C126S.
Identifiers: ClinVar variation 666478 (VCV000666478.13), dbSNP rs1278227329, ClinGen allele CA382506766.

ClinVar aggregate classification (germline): Pathogenic/Likely pathogenic. Review status: criteria provided, multiple submitters, no conflicts (2 of 4 stars). 8 submissions from 8 submitters: Pathogenic (1); Likely pathogenic (7). Last evaluated 2026-07-18.

Conditions:
Deficiency of acetyl-CoA acetyltransferase. Also called: MITOCHONDRIAL ACETOACETYL-CoA THIOLASE DEFICIENCY; Beta-ketothiolase deficiency; 3-KETOTHIOLASE DEFICIENCY; 3-OXOTHIOLASE DEFICIENCY. Identifiers: Orphanet 134, MedGen C1536500, MONDO:0008760, OMIM 203750. Disease mechanism: loss of function.

Allele frequency attached by ClinVar (database versions not stated): gnomAD exomes 0.00001 and below 0.00001; gnomAD 0.00001.

Submissions (8):

GeneDx
Classification: Likely pathogenic. Last evaluated: 2026-07-18. Review status: criteria provided, single submitter. Criteria: GeneDx Variant Classification Process June 2021. Collection method: clinical testing. Allele origin: germline.
Comment: Reported as homozygous in a patient from a cohort reported to have mitochondrial acetoacetyl-CoA thiolase deficiency, but detailed clinical information was not provided (PMID: 31268215); Published functional studies demonstrate a damaging effect: loss of enzyme function (PMID: 31268215); Not observed at significant frequency in large population cohorts (gnomAD); In silico analysis supports that this missense variant has a deleterious effect on protein structure/function; This variant is associated with the following publications: (PMID: 31268215, 37248412)

Natera, Inc.
Classification: Likely pathogenic for Alpha-methylacetoacetic aciduria. Last evaluated: 2025-03-27. Review status: criteria provided, single submitter. Criteria: Natera Variant Classification Schema (03/2026). Collection method: clinical testing. Allele origin: germline.
Comment: The c.377G>C variant in ACAT1 is a missense variant predicted to cause substitution of cysteine to serine at amino acid 126. This variant is rare in the general population with a frequency below the threshold expected for the associated phenotype(s). This variant has been identified in one or more affected individuals with a phenotype highly consistent with the associated gene (PMID: 31268215). Functional studies show that this variant may disrupt protein function (PMID: 31268215). Computational prediction algorithms indicate this variant is likely to affect gene or protein function. Given the available evidence, this variant is classified as Likely Pathogenic.

Fulgent Genetics
Classification: Likely pathogenic for Deficiency of acetyl-CoA acetyltransferase. Last evaluated: 2024-03-08. Review status: criteria provided, single submitter. Criteria: ACMG Guidelines, 2015. Collection method: clinical testing. Allele origin: germline.

Labcorp Genetics (formerly Invitae), Labcorp
Classification: Pathogenic for Deficiency of acetyl-CoA acetyltransferase. Last evaluated: 2023-12-22. Review status: criteria provided, single submitter. Criteria: Invitae Variant Classification Sherloc (09022015). Collection method: clinical testing. Allele origin: germline.
Comment: This sequence change replaces cysteine, which is neutral and slightly polar, with serine, which is neutral and polar, at codon 126 of the ACAT1 protein (p.Cys126Ser). This variant is present in population databases (no rsID available, gnomAD 0.004%). This missense change has been observed in individual(s) with clinical features of beta-ketothiolase deficiency (PMID: 31268215; Invitae). In at least one individual the data is consistent with being in trans (on the opposite chromosome) from a pathogenic variant. ClinVar contains an entry for this variant (Variation ID: 666478). Advanced modeling of protein sequence and biophysical properties (such as structural, functional, and spatial information, amino acid conservation, physicochemical variation, residue mobility, and thermodynamic stability) has been performed at Invitae for this missense variant, however the output from this modeling did not meet the statistical confidence thresholds required to predict the impact of this variant on ACAT1 protein function. Experimental studies have shown that this missense change affects ACAT1 function (PMID: 31268215). For these reasons, this variant has been classified as Pathogenic.

Revvity Omics, Revvity
Classification: Likely pathogenic for Deficiency of acetyl-CoA acetyltransferase. Last evaluated: 2023-12-05. Review status: criteria provided, single submitter. Criteria: ACMG Guidelines, 2015. Collection method: clinical testing. Allele origin: germline.

Baylor Genetics
Classification: Likely pathogenic for Deficiency of acetyl-CoA acetyltransferase. Last evaluated: 2023-12-04. Review status: criteria provided, single submitter. Criteria: ACMG Guidelines, 2015. Collection method: clinical testing. Allele origin: unknown.

Women's Health and Genetics/Laboratory Corporation of America, LabCorp
Classification: Likely pathogenic for Deficiency of acetyl-CoA acetyltransferase. Last evaluated: 2023-07-24. Review status: criteria provided, single submitter. Criteria: LabCorp Variant Classification Summary - May 2015. Collection method: clinical testing. Allele origin: germline.
Comment: Variant summary: ACAT1 c.377G>C (p.Cys126Ser) results in a non-conservative amino acid change located in the Thiolase, N-terminal (IPR020616) of the encoded protein sequence. Five of five in-silico tools predict a damaging effect of the variant on protein function. The variant allele was found at a frequency of 4e-06 in 251396 control chromosomes. c.377G>C has been reported in the literature in a homozygous individual affected with Mitochondrial Acetoacetyl-CoA Thiolase Deficiency (Abdelkreem_2019). At least one publication reports experimental evidence evaluating an impact on protein function demonstrating abolishment of catalytic function (Abdelkreem_2019). Two submitters have cited clinical-significance assessments for this variant to ClinVar after 2014. The following publication have been ascertained in the context of this evaluation (PMID: 31268215). All submitters classified the variant as pathogenic/likely pathogenic. Based on the evidence outlined above, the variant was classified as likely pathogenic.

Department of Pediatrics, Gifu University
Classification: Likely pathogenic for Deficiency of acetyl-CoA acetyltransferase. Last evaluated: 2019-05-05. Review status: criteria provided, single submitter. Criteria: ACMG Guidelines, 2015. Collection method: research. Allele origin: germline. Affected: yes. Observed: 1 variant allele.

Literature cited by the submitters: PubMed 31268215 (cited by 4 submitters).